The following is an entry in ClinVar:

NM_133259.4(LRPPRC):c.738-3_739del

Gene: LRPPRC (leucine rich pentatricopeptide repeat containing; minus strand). Cytogenetic location: 2p21.
Variant type: Deletion.
Coding change: c.738-3_739del on transcript NM_133259.4 (MANE Select); 3 bases into the intron before coding-DNA position 738 through coding-DNA position 739, 5 bases deleted (TAGTG; older notation c.738-3_739delTAGTG).
Molecular consequence: splice acceptor variant.
Genome position (GRCh38, 1-based): chr2:43,975,216-43,975,220, CACTA deleted on the plus strand (TAGTG on the coding strand, the reverse complement: LRPPRC is on the minus strand); deleting any 5 consecutive bases within chr2:43,975,216-43,975,222 gives the same sequence; the c. name uses the placement nearest the transcript's 3' end. VCF-style (leftmost placement, unchanged base first): chr2-43975215-TCACTA-T. GRCh37 (hg19) VCF-style: chr2-44202354-TCACTA-T.
Identifiers: ClinVar variation 2745816 (VCV002745816.3), dbSNP rs2466668849, ClinGen allele CA2697548027.
Genomic context (GRCh38, chr2:43,975,215, plus strand): 5'-GGACCAGGCTCAATTCCGGCATCTCTCATCACTGTGAGAATGTTTTCTGCATTCTCCATA[TCACTA>T]CAAGTTAATTCAAAAAACAGATTATTATGCTTTTGCCAAATTTAATATAGTTATTCAAAC-3'

ClinVar aggregate classification (germline): Likely pathogenic (1 of 4 stars; one submission).

Submission:

Labcorp Genetics (formerly Invitae), Labcorp
Classification: Likely pathogenic. Last evaluated: 2023-07-22. Review status: criteria provided, single submitter. Criteria: Invitae Variant Classification Sherloc (09022015). Collection method: clinical testing. Allele origin: germline.
Comment: This variant has not been reported in the literature in individuals affected with LRPPRC-related conditions. In summary, the currently available evidence indicates that the variant is pathogenic, but additional data are needed to prove that conclusively. Therefore, this variant has been classified as Likely Pathogenic. Algorithms developed to predict the effect of sequence changes on RNA splicing suggest that this variant may disrupt the consensus splice site. This variant is not present in population databases (gnomAD no frequency). This variant results in the deletion of part of exon 7 (c.738-3_739del) of the LRPPRC gene. It is expected to disrupt RNA splicing. Variants that disrupt the donor or acceptor splice site typically lead to a loss of protein function (PMID: 16199547), and loss-of-function variants in LRPPRC are known to be pathogenic (PMID: 26510951).

Literature cited by the submitters: PubMed 16199547; PubMed 26510951.